The following is an entry in ClinVar:

ClinVar aggregate classification (germline): Uncertain significance (1 of 4 stars; one submission).

Conditions:
Hereditary cancer-predisposing syndrome. Also called: Neoplastic Syndromes, Hereditary; Tumor predisposition; Hereditary neoplastic syndrome; Hereditary Cancer Syndrome. Identifiers: Orphanet 140162, MedGen C0027672, MeSH D009386, MONDO:0015356.

Submission:

Ambry Genetics
Classification: Uncertain significance for Hereditary cancer-predisposing syndrome. Last evaluated: 2022-11-21. Review status: criteria provided, single submitter. Criteria: Ambry Variant Classification Scheme 2023. Collection method: clinical testing. Allele origin: germline.
Comment: The p.T1110I variant (also known as c.3329C>T), located in coding exon 23 of the SMARCA4 gene, results from a C to T substitution at nucleotide position 3329. The threonine at codon 1110 is replaced by isoleucine, an amino acid with similar properties. This amino acid position is highly conserved in available vertebrate species. In addition, this alteration is predicted to be deleterious by in silico analysis. Missense and in-frame variants in SMARCA4 are known to cause neurodevelopmental disorders; however, such associations with rhabdoid tumor predisposition syndrome including small cell carcinoma of the ovary-hypercalcemic type (SCCOHT) are exceedingly rare (Kosho T et al. Am J Med Genet C Semin Med Genet. 2014 Sep;166C(3):262-75; Jelinic P et al. Nat Genet. 2014 May;46(5):424-6). Since supporting evidence is limited at this time, the clinical significance of this alteration remains unclear.

NM_003072.5(SMARCA4):c.3329C>T (p.Thr1110Ile)

Gene: SMARCA4 (SWI/SNF related BAF chromatin remodeling complex subunit ATPase 4; plus strand). Cytogenetic location: 19p13.2.
Variant type: single nucleotide variant.
Coding change: c.3329C>T on transcript NM_003072.5 (MANE Select); coding-DNA position 3329, C replaced by T.
Protein change: p.Thr1110Ile; replaces threonine 1110 with isoleucine.
Molecular consequence: missense variant. On other transcripts: non-coding transcript variant (1).
Genome position (GRCh38, 1-based): chr19:11,027,897, C>T. VCF-style: chr19-11027897-C-T. GRCh37 (hg19) VCF-style: chr19-11138573-C-T.
Other names: c.3329C>T, p.Thr1110Ile (NM_001128844.3, NM_001128845.2, NM_001128846.2 and 6 more transcripts); short protein forms T1110I.
Identifiers: ClinVar variation 2452835 (VCV002452835.2), dbSNP rs2146544853, ClinGen allele CA404061776.